The following continues an entry in ClinVar:

NM_004924.6(ACTN4):c.369C>T (p.Gly123=)

Gene: ACTN4. ClinVar aggregate classification (germline): Benign/Likely benign. Benign (5); Likely benign (3).

Submissions 33 to 68 of 80:

Dr. Peter K. Rogan Lab, Western University
No classification provided (evidence only). Condition: Acute myeloid leukemia. Review status: no classification provided. Collection method: in vitro. Allele origin: not applicable. Functional consequence: retained intron. Not counted in ClinVar's aggregate classification.

Dr. Peter K. Rogan Lab, Western University
No classification provided (evidence only). Condition: Acute myeloid leukemia. Review status: no classification provided. Collection method: in vitro. Allele origin: not applicable. Functional consequence: retained intron. Not counted in ClinVar's aggregate classification.

Dr. Peter K. Rogan Lab, Western University
No classification provided (evidence only). Condition: Acute myeloid leukemia. Review status: no classification provided. Collection method: in vitro. Allele origin: not applicable. Functional consequence: retained intron. Not counted in ClinVar's aggregate classification.

Dr. Peter K. Rogan Lab, Western University
No classification provided (evidence only). Condition: Acute myeloid leukemia. Review status: no classification provided. Collection method: in vitro. Allele origin: not applicable. Functional consequence: retained intron. Not counted in ClinVar's aggregate classification.

Dr. Peter K. Rogan Lab, Western University
No classification provided (evidence only). Condition: Acute myeloid leukemia. Review status: no classification provided. Collection method: in vitro. Allele origin: not applicable. Functional consequence: retained intron. Not counted in ClinVar's aggregate classification.

Dr. Peter K. Rogan Lab, Western University
No classification provided (evidence only). Condition: Acute myeloid leukemia. Review status: no classification provided. Collection method: in vitro. Allele origin: not applicable. Functional consequence: retained intron. Not counted in ClinVar's aggregate classification.

Dr. Peter K. Rogan Lab, Western University
No classification provided (evidence only). Condition: Acute myeloid leukemia. Review status: no classification provided. Collection method: in vitro. Allele origin: not applicable. Functional consequence: retained intron. Not counted in ClinVar's aggregate classification.

Dr. Peter K. Rogan Lab, Western University
No classification provided (evidence only). Condition: Acute myeloid leukemia. Review status: no classification provided. Collection method: in vitro. Allele origin: not applicable. Functional consequence: retained intron. Not counted in ClinVar's aggregate classification.

Dr. Peter K. Rogan Lab, Western University
No classification provided (evidence only). Condition: Colon adenocarcinoma. Review status: no classification provided. Collection method: in vitro. Allele origin: not applicable. Functional consequence: retained intron. Not counted in ClinVar's aggregate classification.

Dr. Peter K. Rogan Lab, Western University
No classification provided (evidence only). Condition: Colon adenocarcinoma. Review status: no classification provided. Collection method: in vitro. Allele origin: not applicable. Functional consequence: retained intron. Not counted in ClinVar's aggregate classification.

Dr. Peter K. Rogan Lab, Western University
No classification provided (evidence only). Condition: Colon adenocarcinoma. Review status: no classification provided. Collection method: in vitro. Allele origin: not applicable. Functional consequence: retained intron. Not counted in ClinVar's aggregate classification.

Dr. Peter K. Rogan Lab, Western University
No classification provided (evidence only). Condition: Thyroid cancer, nonmedullary, 1. Review status: no classification provided. Collection method: in vitro. Allele origin: not applicable. Functional consequence: retained intron. Not counted in ClinVar's aggregate classification.

Dr. Peter K. Rogan Lab, Western University
No classification provided (evidence only). Condition: Thyroid cancer, nonmedullary, 1. Review status: no classification provided. Collection method: in vitro. Allele origin: not applicable. Functional consequence: retained intron. Not counted in ClinVar's aggregate classification.

Dr. Peter K. Rogan Lab, Western University
No classification provided (evidence only). Condition: Thyroid cancer, nonmedullary, 1. Review status: no classification provided. Collection method: in vitro. Allele origin: not applicable. Functional consequence: retained intron. Not counted in ClinVar's aggregate classification.

Dr. Peter K. Rogan Lab, Western University
No classification provided (evidence only). Condition: Thyroid cancer, nonmedullary, 1. Review status: no classification provided. Collection method: in vitro. Allele origin: not applicable. Functional consequence: retained intron. Not counted in ClinVar's aggregate classification.

Dr. Peter K. Rogan Lab, Western University
No classification provided (evidence only). Condition: Thyroid cancer, nonmedullary, 1. Review status: no classification provided. Collection method: in vitro. Allele origin: not applicable. Functional consequence: retained intron. Not counted in ClinVar's aggregate classification.

Dr. Peter K. Rogan Lab, Western University
No classification provided (evidence only). Condition: Thyroid cancer, nonmedullary, 1. Review status: no classification provided. Collection method: in vitro. Allele origin: not applicable. Functional consequence: retained intron. Not counted in ClinVar's aggregate classification.

Dr. Peter K. Rogan Lab, Western University
No classification provided (evidence only). Condition: Uterine corpus endometrial carcinoma. Review status: no classification provided. Collection method: in vitro. Allele origin: not applicable. Functional consequence: retained intron. Not counted in ClinVar's aggregate classification.

Dr. Peter K. Rogan Lab, Western University
No classification provided (evidence only). Condition: Uterine corpus endometrial carcinoma. Review status: no classification provided. Collection method: in vitro. Allele origin: not applicable. Functional consequence: retained intron. Not counted in ClinVar's aggregate classification.

Dr. Peter K. Rogan Lab, Western University
No classification provided (evidence only). Condition: Uterine corpus endometrial carcinoma. Review status: no classification provided. Collection method: in vitro. Allele origin: not applicable. Functional consequence: retained intron. Not counted in ClinVar's aggregate classification.

Dr. Peter K. Rogan Lab, Western University
No classification provided (evidence only). Condition: Cervical cancer. Review status: no classification provided. Collection method: in vitro. Allele origin: not applicable. Functional consequence: retained intron. Not counted in ClinVar's aggregate classification.

Dr. Peter K. Rogan Lab, Western University
No classification provided (evidence only). Condition: Cervical cancer. Review status: no classification provided. Collection method: in vitro. Allele origin: not applicable. Functional consequence: retained intron. Not counted in ClinVar's aggregate classification.

Dr. Peter K. Rogan Lab, Western University
No classification provided (evidence only). Condition: Cervical cancer. Review status: no classification provided. Collection method: in vitro. Allele origin: not applicable. Functional consequence: retained intron. Not counted in ClinVar's aggregate classification.

Dr. Peter K. Rogan Lab, Western University
No classification provided (evidence only). Condition: Cervical cancer. Review status: no classification provided. Collection method: in vitro. Allele origin: not applicable. Functional consequence: retained intron. Not counted in ClinVar's aggregate classification.

Dr. Peter K. Rogan Lab, Western University
No classification provided (evidence only). Condition: Sarcoma. Review status: no classification provided. Collection method: in vitro. Allele origin: not applicable. Functional consequence: retained intron. Not counted in ClinVar's aggregate classification.

Dr. Peter K. Rogan Lab, Western University
No classification provided (evidence only). Condition: Sarcoma. Review status: no classification provided. Collection method: in vitro. Allele origin: not applicable. Functional consequence: retained intron. Not counted in ClinVar's aggregate classification.

Dr. Peter K. Rogan Lab, Western University
No classification provided (evidence only). Condition: Hepatocellular carcinoma. Review status: no classification provided. Collection method: in vitro. Allele origin: not applicable. Functional consequence: retained intron. Not counted in ClinVar's aggregate classification.

Dr. Peter K. Rogan Lab, Western University
No classification provided (evidence only). Condition: Hepatocellular carcinoma. Review status: no classification provided. Collection method: in vitro. Allele origin: not applicable. Functional consequence: retained intron. Not counted in ClinVar's aggregate classification.

Dr. Peter K. Rogan Lab, Western University
No classification provided (evidence only). Condition: Hepatocellular carcinoma. Review status: no classification provided. Collection method: in vitro. Allele origin: not applicable. Functional consequence: retained intron. Not counted in ClinVar's aggregate classification.

Dr. Peter K. Rogan Lab, Western University
No classification provided (evidence only). Condition: Hepatocellular carcinoma. Review status: no classification provided. Collection method: in vitro. Allele origin: not applicable. Functional consequence: retained intron. Not counted in ClinVar's aggregate classification.

Dr. Peter K. Rogan Lab, Western University
No classification provided (evidence only). Condition: Hepatocellular carcinoma. Review status: no classification provided. Collection method: in vitro. Allele origin: not applicable. Functional consequence: retained intron. Not counted in ClinVar's aggregate classification.

Dr. Peter K. Rogan Lab, Western University
No classification provided (evidence only). Condition: Nonpapillary renal cell carcinoma. Review status: no classification provided. Collection method: in vitro. Allele origin: not applicable. Functional consequence: retained intron. Not counted in ClinVar's aggregate classification.

Dr. Peter K. Rogan Lab, Western University
No classification provided (evidence only). Condition: Nonpapillary renal cell carcinoma. Review status: no classification provided. Collection method: in vitro. Allele origin: not applicable. Functional consequence: retained intron. Not counted in ClinVar's aggregate classification.

Dr. Peter K. Rogan Lab, Western University
No classification provided (evidence only). Condition: Thymoma. Review status: no classification provided. Collection method: in vitro. Allele origin: not applicable. Functional consequence: retained intron. Not counted in ClinVar's aggregate classification.

Dr. Peter K. Rogan Lab, Western University
No classification provided (evidence only). Condition: Cholangiocarcinoma. Review status: no classification provided. Collection method: in vitro. Allele origin: not applicable. Functional consequence: retained intron. Not counted in ClinVar's aggregate classification.

Dr. Peter K. Rogan Lab, Western University
No classification provided (evidence only). Condition: Ovarian serous cystadenocarcinoma. Review status: no classification provided. Collection method: in vitro. Allele origin: not applicable. Functional consequence: retained intron. Not counted in ClinVar's aggregate classification.